The following is an entry in ClinVar:

NM_000069.3(CACNA1S):c.1951A>G (p.Ile651Val)

Gene: CACNA1S (calcium voltage-gated channel subunit alpha1 S; minus strand). Cytogenetic location: 1q32.1.
Variant type: single nucleotide variant.
Coding change: c.1951A>G on transcript NM_000069.3 (MANE Select); coding-DNA position 1951, A replaced by G.
Protein change: p.Ile651Val; replaces isoleucine 651 with valine.
Molecular consequence: missense variant.
Genome position (GRCh38, 1-based): chr1:201,074,618, T>C on the plus strand (A>G on the coding strand, the complement: CACNA1S is on the minus strand). VCF-style: chr1-201074618-T-C. GRCh37 (hg19) VCF-style: chr1-201043746-T-C.
Other names: short protein forms I651V.
Identifiers: ClinVar variation 3075064 (VCV003075064.4), dbSNP rs530780988, ClinGen allele CA35975468.

ClinVar aggregate classification (germline): Uncertain significance. Review status: criteria provided, multiple submitters, no conflicts (2 of 4 stars). 3 submissions from 3 submitters: Uncertain significance (3). Last evaluated 2024-10-03.

Conditions:
Malignant hyperthermia, susceptibility to, 5 (MHS5). Also called: CACNA1S-Related Malignant Hyperthermia Susceptibility. Identifiers: Orphanet 423, MedGen C1866077, MONDO:0011163, OMIM 601887.
Hypokalemic periodic paralysis, type 1. Also called: HypoPP; Hypokalemic Periodic Paralysis Type 1 (AD). Identifiers: Orphanet 681, MedGen C3714580, MONDO:0042979, OMIM 170400.

gnomAD v4.1: 3 of 1,607,588 alleles (0.00019%); highest among the groups gnomAD compares: Non-Finnish European, 0.00026%; no homozygotes.

Submissions (3):

Labcorp Genetics (formerly Invitae), Labcorp
Classification: Uncertain significance for Hypokalemic periodic paralysis, type 1; Malignant hyperthermia, susceptibility to, 5. Last evaluated: 2024-10-03. Review status: criteria provided, single submitter. Criteria: Invitae Variant Classification Sherloc (09022015). Collection method: clinical testing. Allele origin: germline.
Comment: This sequence change replaces isoleucine, which is neutral and non-polar, with valine, which is neutral and non-polar, at codon 651 of the CACNA1S protein (p.Ile651Val). This variant is present in population databases (no rsID available, gnomAD 0.0009%). This variant has not been reported in the literature in individuals affected with CACNA1S-related conditions. Invitae Evidence Modeling of protein sequence and biophysical properties (such as structural, functional, and spatial information, amino acid conservation, physicochemical variation, residue mobility, and thermodynamic stability) indicates that this missense variant is not expected to disrupt CACNA1S protein function with a negative predictive value of 95%. In summary, the available evidence is currently insufficient to determine the role of this variant in disease. Therefore, it has been classified as a Variant of Uncertain Significance.

All of Us Research Program, National Institutes of Health
Classification: Uncertain significance for Malignant hyperthermia, susceptibility to, 5. Last evaluated: 2023-12-18. Review status: criteria provided, single submitter. Criteria: ACMG Guidelines, 2015. Collection method: clinical testing. Allele origin: germline. Inheritance: Autosomal dominant inheritance. Observed: 1 variant allele, 1 heterozygote.
Comment: This missense variant replaces isoleucine with valine at codon 651 of the CACNA1S protein. Computational prediction is inconclusive regarding the impact of this variant on protein structure and function (internally defined REVEL score threshold 0.5 < inconclusive < 0.7, PMID: 27666373). To our knowledge, functional studies have not been reported for this variant. This variant has not been reported in individuals affected with CACNA1S-related disorders in the literature. This variant has been identified in 1/249084 chromosomes in the general population by the Genome Aggregation Database (gnomAD). The available evidence is insufficient to determine the role of this variant in disease conclusively. Therefore, this variant is classified as a Variant of Uncertain Significance.

This study involves interpretation of variants in research participants for the purpose of population health screening. Participant phenotype was not available at the time of variant classification. Additional details can be found in publication PMID: 35346344, PMCID: PMC8962531

Color Diagnostics, LLC DBA Color Health
Classification: Uncertain significance for Malignant hyperthermia, susceptibility to, 5. Last evaluated: 2023-11-22. Review status: criteria provided, single submitter. Criteria: ACMG Guidelines, 2015. Collection method: clinical testing. Allele origin: germline.
Comment: This missense variant replaces isoleucine with valine at codon 651 of the CACNA1S protein. Computational prediction is inconclusive regarding the impact of this variant on protein structure and function. To our knowledge, functional studies have not been reported for this variant. This variant has not been reported in individuals affected with CACNA1S-related disorders in the literature. This variant has been identified in 1/249084 chromosomes in the general population by the Genome Aggregation Database (gnomAD). The available evidence is insufficient to determine the role of this variant in disease conclusively. Therefore, this variant is classified as a Variant of Uncertain Significance.